The following is an entry in ClinVar:

ClinVar aggregate classification (germline): Uncertain significance (1 of 4 stars; one submission).

Conditions:
Cardiovascular phenotype. Identifiers: MedGen CN230736.

gnomAD v4.1: 2 of 1,613,738 alleles (0.00012%); highest among the groups gnomAD compares: Admixed American, 0.0017%; no homozygotes.

Submission:

Ambry Genetics
Classification: Uncertain significance for Cardiovascular phenotype. Last evaluated: 2025-03-03. Review status: criteria provided, single submitter. Criteria: Ambry Variant Classification Scheme 2023. Collection method: clinical testing. Allele origin: germline.
Comment: The p.V1404M variant (also known as c.4210G>A), located in coding exon 25 of the APOB gene, results from a G to A substitution at nucleotide position 4210. The valine at codon 1404 is replaced by methionine, an amino acid with highly similar properties. This amino acid position is conserved. In addition, this alteration is predicted to be tolerated by in silico analysis. Based on the available evidence, the clinical significance of this variant remains unclear.

NM_000384.3(APOB):c.4210G>A (p.Val1404Met)

Gene: APOB (apolipoprotein B; minus strand). Cytogenetic location: 2p24.1.
Variant type: single nucleotide variant.
Coding change: c.4210G>A on transcript NM_000384.3 (MANE Select); coding-DNA position 4210, G replaced by A.
Protein change: p.Val1404Met; replaces valine 1404 with methionine.
Molecular consequence: missense variant.
Genome position (GRCh38, 1-based): chr2:21,013,166, C>T on the plus strand (G>A on the coding strand, the complement: APOB is on the minus strand). VCF-style: chr2-21013166-C-T. GRCh37 (hg19) VCF-style: chr2-21236038-C-T.
Other names: short protein forms V1404M.
Identifiers: ClinVar variation 3885356 (VCV003885356.1).